The following is an entry in ClinVar:

ClinVar aggregate classification (germline): Uncertain significance (1 of 4 stars; one submission).

Submission:

Labcorp Genetics (formerly Invitae), Labcorp
Classification: Uncertain significance. Last evaluated: 2024-02-03. Review status: criteria provided, single submitter. Criteria: Invitae Variant Classification Sherloc (09022015). Collection method: clinical testing. Allele origin: germline.
Comment: This sequence change replaces alanine, which is neutral and non-polar, with threonine, which is neutral and polar, at codon 416 of the ZNF687 protein (p.Ala416Thr). This variant is not present in population databases (gnomAD no frequency). This variant has not been reported in the literature in individuals affected with ZNF687-related conditions. An algorithm developed to predict the effect of missense changes on protein structure and function (PolyPhen-2) suggests that this variant is likely to be disruptive. In summary, the available evidence is currently insufficient to determine the role of this variant in disease. Therefore, it has been classified as a Variant of Uncertain Significance.

NM_020832.3(ZNF687):c.1246G>A (p.Ala416Thr)

Gene: ZNF687 (zinc finger protein 687; plus strand). Cytogenetic location: 1q21.3.
Variant type: single nucleotide variant.
Coding change: c.1246G>A on transcript NM_020832.3 (MANE Select); coding-DNA position 1246, G replaced by A.
Protein change: p.Ala416Thr; replaces alanine 416 with threonine.
Molecular consequence: missense variant.
Genome position (GRCh38, 1-based): chr1:151,287,537, G>A. VCF-style: chr1-151287537-G-A. GRCh37 (hg19) VCF-style: chr1-151260013-G-A.
Other names: c.1246G>A, p.Ala416Thr (NM_001304763.2, NM_001304764.2); short protein forms A416T.
Identifiers: ClinVar variation 3684898 (VCV003684898.2).